The following is an entry in ClinVar:

NM_024513.4(FYCO1):c.3212A>G (p.Gln1071Arg)

Gene: FYCO1 (FYVE and coiled-coil domain autophagy adaptor 1; minus strand). Cytogenetic location: 3p21.31.
Variant type: single nucleotide variant.
Coding change: c.3212A>G on transcript NM_024513.4 (MANE Select); coding-DNA position 3212, A replaced by G.
Protein change: p.Gln1071Arg; replaces glutamine 1071 with arginine.
Molecular consequence: missense variant.
Genome position (GRCh38, 1-based): chr3:45,964,393, T>C on the plus strand (A>G on the coding strand, the complement: FYCO1 is on the minus strand). VCF-style: chr3-45964393-T-C. GRCh37 (hg19) VCF-style: chr3-46005885-T-C.
Other names: short protein forms Q1071R.
Identifiers: ClinVar variation 900169 (VCV000900169.12), dbSNP rs142618914, ClinGen allele CA2352856.

ClinVar aggregate classification (germline): Benign. Review status: criteria provided, multiple submitters, no conflicts (2 of 4 stars). 3 submissions from 3 submitters: Benign (3). Last evaluated 2025-08-31.

Conditions:
Cataract 18 (CATC2). Also called: CATARACT 18, AUTOSOMAL RECESSIVE. Identifiers: Orphanet 91492, Orphanet 98991, Orphanet 98992, Orphanet 98995, MedGen C1864908, MONDO:0012395, OMIM 610019.

Allele frequency attached by ClinVar (database versions not stated): gnomAD exomes 0.00083 and 0.00031; ESP Exome Variant Server 0.00284; ExAC 0.00101; 1000 Genomes Project 30x 0.00328; gnomAD 0.00355 and 0.00387; 1000 Genomes Project 0.00319; TOPMed 0.00402.
gnomAD v4.1: 1,013 of 1,614,130 alleles (0.063%); highest among the groups gnomAD compares: African/African-American, 1.2%; 15 homozygotes.

Submissions (3):

Labcorp Genetics (formerly Invitae), Labcorp
Classification: Benign for Cataract 18. Last evaluated: 2025-08-31. Review status: criteria provided, single submitter. Criteria: Invitae Variant Classification Sherloc (09022015). Collection method: clinical testing. Allele origin: germline.

Illumina Laboratory Services, Illumina
Classification: Benign for Cataract 18. Last evaluated: 2018-01-12. Review status: criteria provided, single submitter. Criteria: ICSL Variant Classification Criteria 13 December 2019. Collection method: clinical testing. Allele origin: germline.
Comment: This variant was observed in the ICSL laboratory as part of a predisposition screen in an ostensibly healthy population. It had not been previously curated by ICSL or reported in the Human Gene Mutation Database (HGMD: prior to June 1st, 2018), and was therefore a candidate for classification through an automated scoring system. Utilizing variant allele frequency, disease prevalence and penetrance estimates, and inheritance mode, an automated score was calculated to assess if this variant is too frequent to cause the disease. Based on the score and internal cut-off values, a variant classified as benign is not then subjected to further curation. The score for this variant resulted in a classification of benign for this disease.

Breakthrough Genomics
Classification: Benign. Review status: criteria provided, single submitter. Criteria: ACMG Guidelines, 2015. Collection method: not provided. Allele origin: germline. Inheritance: Autosomal recessive inheritance. Affected: yes.